The following is an entry in ClinVar:

NM_007194.4(CHEK2):c.429C>G (p.His143Gln)

Gene: CHEK2 (checkpoint kinase 2; minus strand). Cytogenetic location: 22q12.1.
Variant type: single nucleotide variant.
Coding change: c.429C>G on transcript NM_007194.4 (MANE Select); coding-DNA position 429, C replaced by G.
Protein change: p.His143Gln; replaces histidine 143 with glutamine.
Molecular consequence: missense variant.
Genome position (GRCh38, 1-based): chr22:28,725,258, G>C on the plus strand (C>G on the coding strand, the complement: CHEK2 is on the minus strand). VCF-style: chr22-28725258-G-C. GRCh37 (hg19) VCF-style: chr22-29121246-G-C.
Other names: c.558C>G, p.His186Gln (NM_001005735.3); c.-349C>G (NM_001257387.3); c.429C>G, p.His143Gln (NM_001349956.3, NM_145862.3); short protein forms H143Q, H186Q.
Identifiers: ClinVar variation 486839 (VCV000486839.12), dbSNP rs1555927151, ClinGen allele CA411107912.
Genomic context (GRCh38, chr22:28,725,258, plus strand): 5'-ACCAAATTACCAGCTCTCCTAGATACATGGGTATTCATTACCTACCCTGAAAATCCGAAA[G>C]TGTTTCTTGCTGTATGTTCGGTATTTATCTGTTCTTTTCAGCAGTGGTTCATCAAAGCAA-3'
Protein context (NP_009125.1, residues 133-153): TDKYRTYSKK[His143Gln]FRIFREVGPK

ClinVar aggregate classification (germline): Uncertain significance. Review status: criteria provided, multiple submitters, no conflicts (2 of 4 stars). 4 submissions from 4 submitters: Uncertain significance (4). Last evaluated 2023-12-06.

Conditions:
Hereditary breast ovarian cancer syndrome. Also called: Hereditary breast and ovarian cancer; BRCA1- and BRCA2-Associated Hereditary Breast and Ovarian Cancer; Breast and ovarian cancer; Hereditary breast and ovarian cancer syndrome; Hereditary breast and ovarian cancer syndrome (HBOC); Hereditary breast and/or ovarian cancer syndrome. Identifiers: Orphanet 145, MedGen C0677776, MeSH D061325, MONDO:0003582. Disease mechanism: loss of function.
Hereditary cancer-predisposing syndrome. Also called: Tumor predisposition; Hereditary Cancer Syndrome; Hereditary neoplastic syndrome; Neoplastic Syndromes, Hereditary. Identifiers: Orphanet 140162, MedGen C0027672, MeSH D009386, MONDO:0015356.
Familial cancer of breast. Also called: hereditary breast carcinoma; BREAST CANCER, FAMILIAL; Hereditary breast cancer. Identifiers: Orphanet 227535, MedGen C0346153, MONDO:0016419, OMIM 114480. Disease mechanism: loss of function.

Submissions (4):

Ambry Genetics
Classification: Uncertain significance for Hereditary cancer-predisposing syndrome. Last evaluated: 2023-12-06. Review status: criteria provided, single submitter. Criteria: Ambry Variant Classification Scheme 2023. Collection method: clinical testing. Allele origin: germline.
Comment: The p.H143Q variant (also known as c.429C>G), located in coding exon 2 of the CHEK2 gene, results from a C to G substitution at nucleotide position 429. The histidine at codon 143 is replaced by glutamine, an amino acid with highly similar properties. This amino acid position is highly conserved in available vertebrate species. In addition, this alteration is predicted to be deleterious by in silico analysis. Since supporting evidence is limited at this time, the clinical significance of this alteration remains unclear.

German Consortium for Hereditary Breast and Ovarian Cancer, University Hospital Cologne
Classification: Uncertain significance for Hereditary breast ovarian cancer syndrome. Last evaluated: 2023-10-11. Review status: criteria provided, single submitter. Criteria: ACMG Guidelines, 2015. Collection method: curation. Allele origin: germline.
Comment: PM2_sup, PM5_sup, PP3. According to the ACMG standard criteria we chose these criteria: PM2 (supporting pathogenic): Absent from gnomAD, PM5 (supporting pathogenic): AS position seems to be crucial vor protein function but functional data for this variant is missing, PP3 (supporting pathogenic): In silico prediction mainly loss of function

Labcorp Genetics (formerly Invitae), Labcorp
Classification: Uncertain significance for Familial cancer of breast. Last evaluated: 2023-10-10. Review status: criteria provided, single submitter. Criteria: Invitae Variant Classification Sherloc (09022015). Collection method: clinical testing. Allele origin: germline.
Comment: This sequence change replaces histidine, which is basic and polar, with glutamine, which is neutral and polar, at codon 143 of the CHEK2 protein (p.His143Gln). This variant is not present in population databases (gnomAD no frequency). This variant has not been reported in the literature in individuals affected with CHEK2-related conditions. ClinVar contains an entry for this variant (Variation ID: 486839). An algorithm developed to predict the effect of missense changes on protein structure and function (PolyPhen-2) suggests that this variant is likely to be disruptive. In summary, the available evidence is currently insufficient to determine the role of this variant in disease. Therefore, it has been classified as a Variant of Uncertain Significance.

Color Diagnostics, LLC DBA Color Health
Classification: Uncertain significance for Hereditary cancer-predisposing syndrome. Last evaluated: 2019-12-09. Review status: criteria provided, single submitter. Criteria: ACMG Guidelines, 2015. Collection method: clinical testing. Allele origin: germline.
Comment: This missense variant replaces histidine with glutamine at codon 143 of the CHEK2 protein. Computational prediction suggests that this variant may have deleterious impact on protein structure and function (internally defined REVEL score threshold >= 0.7, PMID: 27666373). Splice site prediction tools suggest that this variant may not impact RNA splicing. To our knowledge, functional studies have not been performed for this variant. This variant has not been reported in individuals affected with hereditary cancer in the literature. This variant has not been identified in the general population by the Genome Aggregation Database (gnomAD). The available evidence is insufficient to determine the role of this variant in disease conclusively. Therefore, this variant is classified as a Variant of Uncertain Significance.